The following is an entry in ClinVar:

NM_001374828.1(ARID1B):c.4552C>T (p.Gln1518Ter)

Gene: ARID1B (AT-rich interaction domain 1B; plus strand). Cytogenetic location: 6q25.3.
Variant type: single nucleotide variant.
Coding change: c.4552C>T on transcript NM_001374828.1 (MANE Select); coding-DNA position 4552, C replaced by T.
Protein change: p.Gln1518Ter; replaces glutamine 1518 with a stop codon.
Molecular consequence: nonsense.
Genome position (GRCh38, 1-based): chr6:157,200,777, C>T. VCF-style: chr6-157200777-C-T. GRCh37 (hg19) VCF-style: chr6-157521911-C-T.
Other names: c.2053C>T, p.Gln685Ter (NM_001363725.2); c.4432C>T, p.Gln1478Ter (NM_001371656.1, NM_001374820.1); c.4393C>T, p.Gln1465Ter (NM_017519.3); c.4303C>T (NM_001346813.1); short protein forms Q1465*, Q1478*, Q1518*, Q685*.
Identifiers: ClinVar variation 1679391 (VCV001679391.6), dbSNP rs1554235541, ClinGen allele CA366240908.

ClinVar aggregate classification (germline): Pathogenic. Review status: criteria provided, multiple submitters, no conflicts (2 of 4 stars). 2 submissions from 2 submitters: Pathogenic (2). Last evaluated 2022-11-28.

Conditions:
Coffin-Siris syndrome 1 (CSS1). Also called: Mental retardation, autosomal dominant 12; ARID1B-Related Coffin-Siris Syndrome. Identifiers: Orphanet 1465, MedGen C3281201, MONDO:0007617, OMIM 135900. Disease mechanism: gain of function.

Submissions (2):

Labcorp Genetics (formerly Invitae), Labcorp
Classification: Pathogenic. Last evaluated: 2022-11-28. Review status: criteria provided, single submitter. Criteria: Invitae Variant Classification Sherloc (09022015). Collection method: clinical testing. Allele origin: germline.
Comment: This sequence change creates a premature translational stop signal (p.Gln1395*) in the ARID1B gene. It is expected to result in an absent or disrupted protein product. Loss-of-function variants in ARID1B are known to be pathogenic (PMID: 25674384, 30349098). This variant is not present in population databases (gnomAD no frequency). This variant has not been reported in the literature in individuals affected with ARID1B-related conditions. ClinVar contains an entry for this variant (Variation ID: 1679391). For these reasons, this variant has been classified as Pathogenic.

Department of Clinical Genetics, Copenhagen University Hospital, Rigshospitalet
Classification: Pathogenic for Coffin-Siris syndrome 1. Last evaluated: 2021-08-01. Review status: criteria provided, single submitter. Criteria: ACMG Guidelines, 2015. Collection method: clinical testing. Allele origin: de novo. Affected: yes.

Literature cited by the submitters: PubMed 25674384 (cited by Labcorp Genetics (formerly Invitae), Labcorp); PubMed 30349098 (cited by Labcorp Genetics (formerly Invitae), Labcorp).